The following is an entry in ClinVar:

NM_152393.4(KLHL40):c.1197C>T (p.Pro399=)

Gene: KLHL40 (kelch like family member 40; plus strand). Cytogenetic location: 3p22.1.
Variant type: single nucleotide variant.
Coding change: c.1197C>T on transcript NM_152393.4 (MANE Select); coding-DNA position 1197, C replaced by T.
Protein change: p.Pro399=; no amino-acid change (proline 399 retained).
Molecular consequence: synonymous variant.
Genome position (GRCh38, 1-based): chr3:42,688,186, C>T. VCF-style: chr3-42688186-C-T. GRCh37 (hg19) VCF-style: chr3-42729678-C-T.
Other names: c.1197C>T (NM_152393.3).
Identifiers: ClinVar variation 1125230 (VCV001125230.8), dbSNP rs773889729, ClinGen allele CA2336855.

ClinVar aggregate classification (germline): Likely benign. Review status: criteria provided, multiple submitters, no conflicts (2 of 4 stars). 2 submissions from 2 submitters: Likely benign (2). Last evaluated 2026-06-16.

Conditions:
KLHL40-related disorder. Also called: KLHL40-related condition.
Nemaline myopathy 8 (NEM8). Also called: Nemaline myopathy 8, autosomal recessive. Identifiers: Orphanet 171430, MedGen C3809209, MONDO:0014138, OMIM 615348.

Allele frequency attached by ClinVar (database versions not stated): ExAC 0.00001; gnomAD exomes 0.00001.

Submissions (2):

PreventionGenetics, part of Exact Sciences
Classification: Likely benign for KLHL40-related condition. Last evaluated: 2026-06-16. Review status: criteria provided, single submitter. Criteria: ACMG Guidelines, 2015. Collection method: clinical testing. Allele origin: germline.
Comment: This variant is classified as likely benign based on ACMG/AMP sequence variant interpretation guidelines (Richards et al. 2015 PMID: 25741868, with internal and published modifications).

Labcorp Genetics (formerly Invitae), Labcorp
Classification: Likely benign for Nemaline myopathy 8. Last evaluated: 2025-12-04. Review status: criteria provided, single submitter. Criteria: Invitae Variant Classification Sherloc (09022015). Collection method: clinical testing. Allele origin: germline.